The following is an entry in ClinVar:

ClinVar aggregate classification (germline): Likely benign (1 of 4 stars; one submission).

Conditions:
POMC-related disorder. Also called: POMC-related disorders; POMC-related condition.

Submission:

PreventionGenetics, part of Exact Sciences
Classification: Likely benign for POMC-related condition. Last evaluated: 2025-11-13. Review status: criteria provided, single submitter. Criteria: ACMG Guidelines, 2015. Collection method: clinical testing. Allele origin: germline.
Comment: This variant is classified as likely benign based on ACMG/AMP sequence variant interpretation guidelines (Richards et al. 2015 PMID: 25741868, with internal and published modifications).

NM_000939.4(POMC):c.133-9T>C

Genes: POMC (proopiomelanocortin; minus strand), LOC129933280 (ATAC-STARR-seq lymphoblastoid silent region 11244; plus strand). Cytogenetic location: 2p23.3.
Variant type: single nucleotide variant.
Coding change: c.133-9T>C on transcript NM_000939.4 (MANE Select); 9 bases into the intron before coding-DNA position 133, T replaced by C.
Molecular consequence: intron variant.
Genome position (GRCh38, 1-based): chr2:25,161,761, A>G on the plus strand (T>C on the coding strand, the complement: POMC is on the minus strand). VCF-style: chr2-25161761-A-G. GRCh37 (hg19) VCF-style: chr2-25384630-A-G.
Other names: c.133-9T>C (NM_001319205.2, NM_001035256.3, NM_001319204.2).
Identifiers: ClinVar variation 4997061 (VCV004997061.1).